The following is an entry in ClinVar:

ClinVar aggregate classification (germline): Conflicting classifications of pathogenicity. Review status: criteria provided, conflicting classifications (1 of 4 stars). 2 submissions from 2 submitters: Uncertain significance (1); Likely benign (1). Last evaluated 2022-03-25.

Allele frequency attached by ClinVar (database versions not stated): gnomAD exomes below 0.00001 and 0.00001; gnomAD 0.00001; TOPMed 0.00001.

Submissions (2):

Centre of Medical Genetics, University Hospital Muenster
Classification: Uncertain significance. Last evaluated: 2022-03-25. Review status: criteria provided, single submitter. Criteria: ACMG Guidelines, 2015. Collection method: clinical testing. Allele origin: unknown. Affected: yes. Observed: 1 variant allele, 1 heterozygote.
Comment: ACMG categories: PM2,PP3,BP1

Blueprint Genetics
Classification: Likely benign. Last evaluated: 2019-09-02. Review status: criteria provided, single submitter. Criteria: ACMG Guidelines, 2015. Collection method: clinical testing. Allele origin: germline.

NM_014712.3(SETD1A):c.650G>A (p.Arg217His)

Gene: SETD1A (SET domain containing 1A, histone lysine methyltransferase; plus strand). Cytogenetic location: 16p11.2.
Variant type: single nucleotide variant.
Coding change: c.650G>A on transcript NM_014712.3 (MANE Select); coding-DNA position 650, G replaced by A.
Protein change: p.Arg217His; replaces arginine 217 with histidine.
Molecular consequence: missense variant.
Genome position (GRCh38, 1-based): chr16:30,964,104, G>A. VCF-style: chr16-30964104-G-A. GRCh37 (hg19) VCF-style: chr16-30975425-G-A.
Other names: short protein forms R217H.
Identifiers: ClinVar variation 1676791 (VCV001676791.4), dbSNP rs1034310028, ClinGen allele CA280578381.